The following is an entry in ClinVar:

ClinVar aggregate classification (germline): Uncertain significance (1 of 4 stars; one submission).

Allele frequency attached by ClinVar (database versions not stated): gnomAD exomes 0.00001; ExAC 0.00002; gnomAD 0.00003; TOPMed 0.00004; ESP Exome Variant Server 0.00008.
gnomAD v4.1: 17 of 1,577,802 alleles (0.0011%); highest among the groups gnomAD compares: Non-Finnish European, 0.0013%; no homozygotes.

Submission:

Labcorp Genetics (formerly Invitae), Labcorp
Classification: Uncertain significance. Last evaluated: 2025-07-27. Review status: criteria provided, single submitter. Criteria: Invitae Variant Classification Sherloc (09022015). Collection method: clinical testing. Allele origin: germline.
Comment: This sequence change replaces aspartic acid, which is acidic and polar, with glutamic acid, which is acidic and polar, at codon 593 of the ERBIN protein (p.Asp593Glu). This variant is present in population databases (rs200985133, gnomAD 0.004%). This variant has not been reported in the literature in individuals affected with ERBIN-related conditions. ClinVar contains an entry for this variant (Variation ID: 1495946). An algorithm developed to predict the effect of missense changes on protein structure and function (PolyPhen-2) suggests that this variant is likely to be tolerated. In summary, the available evidence is currently insufficient to determine the role of this variant in disease. Therefore, it has been classified as a Variant of Uncertain Significance.

NM_001253697.2(ERBIN):c.1779T>A (p.Asp593Glu)

Gene: ERBIN (erbb2 interacting protein; plus strand). Cytogenetic location: 5q12.3.
Variant type: single nucleotide variant.
Coding change: c.1779T>A on transcript NM_001253697.2 (MANE Select); coding-DNA position 1779, T replaced by A.
Protein change: p.Asp593Glu; replaces aspartic acid 593 with glutamic acid.
Molecular consequence: missense variant.
Genome position (GRCh38, 1-based): chr5:66,046,529, T>A. VCF-style: chr5-66046529-T-A. GRCh37 (hg19) VCF-style: chr5-65342357-T-A.
Other names: c.1779T>A, p.Asp593Glu (NM_001006600.3, NM_001253698.2, NM_001253699.2 and 1 more transcripts); c.1767T>A, p.Asp589Glu (NM_001253701.2); short protein forms D593E, D589E.
Identifiers: ClinVar variation 1495946 (VCV001495946.6), dbSNP rs200985133, ClinGen allele CA3286330.
Genomic context (GRCh38, chr5:66,046,529, plus strand): 5'-ACCAGTGACTGCAAATATGAAAGCCTCTGAGAACTTGAAGCATATTGTTAACCATGATGA[T>A]GTTTTTGAGGTATGATTTTATGATTATTCTGGAGCAACTATAAGAACTTTCAATTTAATA-3'
Protein context (NP_001240626.1, residues 583-603): ENLKHIVNHD[Asp593Glu]VFEESEELSS